The following is an entry in ClinVar:

ClinVar aggregate classification (germline): Uncertain significance (1 of 4 stars; one submission).

Conditions:
Hereditary cancer-predisposing syndrome. Also called: Tumor predisposition; Hereditary Cancer Syndrome; Hereditary neoplastic syndrome; Neoplastic Syndromes, Hereditary. Identifiers: Orphanet 140162, MedGen C0027672, MeSH D009386, MONDO:0015356.

Submission:

Ambry Genetics
Classification: Uncertain significance for Hereditary cancer-predisposing syndrome. Last evaluated: 2025-04-16. Review status: criteria provided, single submitter. Criteria: Ambry Variant Classification Scheme 2023. Collection method: clinical testing. Allele origin: germline.
Comment: The c.222+3A>T intronic variant results from an A to T substitution 3 nucleotides after coding exon 1 in the SMARCA4 gene. This nucleotide position is highly conserved in available vertebrate species. In silico splice site analysis predicts that this alteration may weaken the native splice donor site; however, direct evidence is insufficient at this time (Ambry internal data). Based on the available evidence, the clinical significance of this variant remains unclear.

NM_003072.5(SMARCA4):c.222+3A>T

Gene: SMARCA4 (SWI/SNF related BAF chromatin remodeling complex subunit ATPase 4; plus strand). Cytogenetic location: 19p13.2.
Variant type: single nucleotide variant.
Coding change: c.222+3A>T on transcript NM_003072.5 (MANE Select); 3 bases into the intron after coding-DNA position 222, A replaced by T.
Molecular consequence: intron variant.
Genome position (GRCh38, 1-based): chr19:10,984,376, A>T. VCF-style: chr19-10984376-A-T. GRCh37 (hg19) VCF-style: chr19-11095052-A-T.
Other names: c.222+3A>T (NM_001128844.3, NM_001128849.3, NM_001128847.4 and 6 more transcripts).
Identifiers: ClinVar variation 2587134 (VCV002587134.3), dbSNP rs2145727267, ClinGen allele CA2582342351.